The following is an entry in ClinVar:

NM_000642.3(AGL):c.3295T>C (p.Trp1099Arg)

Gene: AGL (amylo-alpha-1,6-glucosidase and 4-alpha-glucanotransferase; plus strand). Cytogenetic location: 1p21.2.
Variant type: single nucleotide variant.
Coding change: c.3295T>C on transcript NM_000642.3 (MANE Select); coding-DNA position 3295, T replaced by C.
Protein change: p.Trp1099Arg; replaces tryptophan 1099 with arginine.
Molecular consequence: missense variant.
Genome position (GRCh38, 1-based): chr1:99,896,321, T>C. VCF-style: chr1-99896321-T-C. GRCh37 (hg19) VCF-style: chr1-100361877-T-C.
Other names: c.3295T>C, p.Trp1099Arg (NM_000028.3, NM_000643.3, NM_000644.3 and 1 more transcripts); c.3247T>C, p.Trp1083Arg (NM_000646.3); c.3274T>C, p.Trp1092Arg (NM_001425326.1); c.3094T>C, p.Trp1032Arg (NM_001425327.1); c.3091T>C, p.Trp1031Arg (NM_001425328.1); c.2956T>C, p.Trp986Arg (NM_001425329.1); c.2917T>C, p.Trp973Arg (NM_001425332.1); short protein forms W1031R, W1032R, W1083R, W1092R, W1099R, W973R, W986R.
Identifiers: ClinVar variation 3907119 (VCV003907119.1).
Genomic context (GRCh38, chr1:99,896,321, plus strand): 5'-TACTTTGTTGTGTTTTTTTTGTTAGGCTTACCTCATTTTTCTTCTGGTATTTTCCGCTGC[T>C]GGGGAAGGGATACTTTTATTGCACTTAGAGGTATACTGCTGATTACTGGACGCTATGTAG-3'
Protein context (NP_000633.2, residues 1089-1109): PHFSSGIFRC[Trp1099Arg]GRDTFIALRG

ClinVar aggregate classification (germline): Uncertain significance (1 of 4 stars; one submission).

Submission:

Women's Health and Genetics/Laboratory Corporation of America, LabCorp
Classification: Uncertain significance. Last evaluated: 2025-06-27. Review status: criteria provided, single submitter. Criteria: LabCorp Variant Classification Summary - May 2015. Collection method: clinical testing. Allele origin: germline.
Comment: Variant summary: AGL c.3295T>C (p.Trp1099Arg) results in a non-conservative amino acid change in the encoded protein sequence. Algorithms developed to predict the effect of missense changes on protein structure and function all suggest that this variant is likely to be disruptive. The variant was absent in 251442 control chromosomes. c.3295T>C has been observed in at least one homozygous individual affected with Glycogen Storage Disease Type III (e.g. Nazari_2018). These data indicate that the variant may be associated with disease. To our knowledge, no experimental evidence demonstrating an impact on protein function has been reported. The following publication has been ascertained in the context of this evaluation (PMID: 29794575). No submitters have cited clinical-significance assessments for this variant to ClinVar. Based on the evidence outlined above, the variant was classified as VUS-possibly pathogenic.

Literature cited by the submitters: PubMed 29794575.